The following is an entry in ClinVar:

ClinVar aggregate classification (germline): Uncertain significance (1 of 4 stars; one submission).

Conditions:
Dyskeratosis congenita. Identifiers: Orphanet 1775, MedGen C0265965, MONDO:0015780.

Submission:

Labcorp Genetics (formerly Invitae), Labcorp
Classification: Uncertain significance for Dyskeratosis congenita. Last evaluated: 2022-05-16. Review status: criteria provided, single submitter. Criteria: Invitae Variant Classification Sherloc (09022015). Collection method: clinical testing. Allele origin: germline.
Comment: In summary, the available evidence is currently insufficient to determine the role of this variant in disease. Therefore, it has been classified as a Variant of Uncertain Significance. Algorithms developed to predict the effect of missense changes on protein structure and function output the following: SIFT: "Tolerated"; PolyPhen-2: "Benign"; Align-GVGD: "Class C0". The alanine amino acid residue is found in multiple mammalian species, which suggests that this missense change does not adversely affect protein function. This variant has not been reported in the literature in individuals affected with CTC1-related conditions. This variant is not present in population databases (gnomAD no frequency). This sequence change replaces proline, which is neutral and non-polar, with alanine, which is neutral and non-polar, at codon 705 of the CTC1 protein (p.Pro705Ala).

NM_025099.6(CTC1):c.2113C>G (p.Pro705Ala)

Gene: CTC1 (CST telomere replication complex component 1; minus strand). Cytogenetic location: 17p13.1.
Variant type: single nucleotide variant.
Coding change: c.2113C>G on transcript NM_025099.6 (MANE Select); coding-DNA position 2113, C replaced by G.
Protein change: p.Pro705Ala; replaces proline 705 with alanine.
Molecular consequence: missense variant. On other transcripts: non-coding transcript variant (1).
Genome position (GRCh38, 1-based): chr17:8,232,175, G>C on the plus strand (C>G on the coding strand, the complement: CTC1 is on the minus strand). VCF-style: chr17-8232175-G-C. GRCh37 (hg19) VCF-style: chr17-8135493-G-C.
Other names: c.2113C>G, p.Pro705Ala (NM_001411067.1); short protein forms P705A.
Identifiers: ClinVar variation 1995116 (VCV001995116.4), dbSNP rs2507899603, ClinGen allele CA397978953.